The following is an entry in ClinVar:

ClinVar aggregate classification (germline): Uncertain significance (1 of 4 stars; one submission).

Conditions:
Familial thoracic aortic aneurysm and aortic dissection (TAAD). Also called: Thoracic aortic aneurysms and dissections. Identifiers: Orphanet 91387, MedGen C4707243, MONDO:0019625.

Submission:

Ambry Genetics
Classification: Uncertain significance for Familial thoracic aortic aneurysm and aortic dissection. Last evaluated: 2026-07-19. Review status: criteria provided, single submitter. Criteria: Ambry Variant Classification Scheme 2023. Collection method: clinical testing. Allele origin: germline.
Comment: The p.P312S variant (also known as c.934C>T), located in coding exon 8 of the CBS gene, results from a C to T substitution at nucleotide position 934. The proline at codon 312 is replaced by serine, an amino acid with similar properties. This amino acid position is conserved. In addition, this alteration is predicted to be deleterious by in silico analysis. Based on the available evidence, the clinical significance of this variant remains unclear.

NM_000071.3(CBS):c.934C>T (p.Pro312Ser)

Gene: CBS (cystathionine beta-synthase; minus strand). Cytogenetic location: 21q22.3.
Variant type: single nucleotide variant.
Coding change: c.934C>T on transcript NM_000071.3 (MANE Select); coding-DNA position 934, C replaced by T.
Protein change: p.Pro312Ser; replaces proline 312 with serine.
Molecular consequence: missense variant.
Genome position (GRCh38, 1-based): chr21:43,062,973, G>A on the plus strand (C>T on the coding strand, the complement: CBS is on the minus strand). VCF-style: chr21-43062973-G-A. GRCh37 (hg19) VCF-style: chr21-44483083-G-A.
Other names: c.934C>T, p.Pro312Ser (NM_001178008.3, NM_001178009.3, NM_001320298.2); c.619C>T, p.Pro207Ser (NM_001321072.1); short protein forms P312S, P207S.
Identifiers: ClinVar variation 5033781 (VCV005033781.1).